The following is an entry in ClinVar:

NM_001142800.2(EYS):c.6952G>T (p.Glu2318Ter)

Gene: EYS (EGF-like photoreceptor maintenance factor; minus strand). Cytogenetic location: 6q12.
Variant type: single nucleotide variant.
Coding change: c.6952G>T on transcript NM_001142800.2 (MANE Select); coding-DNA position 6952, G replaced by T.
Protein change: p.Glu2318Ter; replaces glutamic acid 2318 with a stop codon.
Molecular consequence: nonsense.
Genome position (GRCh38, 1-based): chr6:63,984,486, C>A on the plus strand (G>T on the coding strand, the complement: EYS is on the minus strand). VCF-style: chr6-63984486-C-A. GRCh37 (hg19) VCF-style: chr6-64694379-C-A.
Other names: c.6952G>T, p.Glu2318Ter (NM_001292009.2); short protein forms E2318*.
Identifiers: ClinVar variation 1945270 (VCV001945270.5), dbSNP rs925168425, ClinGen allele CA16609662.

ClinVar aggregate classification (germline): Pathogenic (1 of 4 stars; one submission).

Submission:

Labcorp Genetics (formerly Invitae), Labcorp
Classification: Pathogenic. Last evaluated: 2022-03-18. Review status: criteria provided, single submitter. Criteria: Invitae Variant Classification Sherloc (09022015). Collection method: clinical testing. Allele origin: germline.
Comment: This sequence change creates a premature translational stop signal (p.Glu2318*) in the EYS gene. It is expected to result in an absent or disrupted protein product. Loss-of-function variants in EYS are known to be pathogenic (PMID: 18836446, 20333770). This variant is not present in population databases (gnomAD no frequency). This variant has not been reported in the literature in individuals affected with EYS-related conditions. For these reasons, this variant has been classified as Pathogenic.

Literature cited by the submitters: PubMed 18836446; PubMed 20333770.